The following is an entry in ClinVar:

ClinVar aggregate classification (germline): Likely pathogenic (1 of 4 stars; one submission).

Conditions:
Ataxia - intellectual disability - oculomotor apraxia - cerebellar cysts syndrome. Also called: Poretti-Boltshauser syndrome. Identifiers: Orphanet 370022, MedGen C4014821, MONDO:0014419, OMIM 615960.

Submission:

3billion
Classification: Likely pathogenic for Ataxia - intellectual disability - oculomotor apraxia - cerebellar cysts syndrome. Last evaluated: 2024-06-12. Review status: criteria provided, single submitter. Criteria: ACMG Guidelines, 2015. Collection method: clinical testing. Allele origin: germline. Affected: yes.
Comment: The variant is not observed in the gnomAD v4.0.0 dataset. Predicted Consequence/Location: Stop-gained (nonsense): predicted to result in a loss or disruption of normal protein function through nonsense-mediated decay (NMD) or protein truncation. Multiple pathogenic variants are reported downstream of the variant. Therefore, this variant is classified as Likely pathogenic according to the recommendation of ACMG/AMP guideline.

NM_005559.4(LAMA1):c.3769C>T (p.Gln1257Ter)

Gene: LAMA1 (laminin subunit alpha 1; minus strand). Cytogenetic location: 18p11.31.
Variant type: single nucleotide variant.
Coding change: c.3769C>T on transcript NM_005559.4 (MANE Select); coding-DNA position 3769, C replaced by T.
Protein change: p.Gln1257Ter; replaces glutamine 1257 with a stop codon.
Molecular consequence: nonsense.
Genome position (GRCh38, 1-based): chr18:7,010,304, G>A on the plus strand (C>T on the coding strand, the complement: LAMA1 is on the minus strand). VCF-style: chr18-7010304-G-A. GRCh37 (hg19) VCF-style: chr18-7010303-G-A.
Other names: short protein forms Q1257*.
Identifiers: ClinVar variation 4293221 (VCV004293221.1).